The following is an entry in ClinVar:

NM_013314.4(BLNK):c.596C>T (p.Pro199Leu)

Gene: BLNK (B cell linker; minus strand). Cytogenetic location: 10q24.1.
Variant type: single nucleotide variant.
Coding change: c.596C>T on transcript NM_013314.4 (MANE Select); coding-DNA position 596, C replaced by T.
Protein change: p.Pro199Leu; replaces proline 199 with leucine.
Molecular consequence: missense variant. On other transcripts: non-coding transcript variant (4), intron variant (1).
Genome position (GRCh38, 1-based): chr10:96,216,664, G>A on the plus strand (C>T on the coding strand, the complement: BLNK is on the minus strand). VCF-style: chr10-96216664-G-A. GRCh37 (hg19) VCF-style: chr10-97976420-G-A.
Other names: c.596C>T, p.Pro199Leu (NM_001114094.2, NM_001258440.2, NM_001258441.2); c.350-1332C>T (NM_001258442.2); short protein forms P199L.
Identifiers: ClinVar variation 860549 (VCV000860549.9), dbSNP rs781980711, ClinGen allele CA377723460.

ClinVar aggregate classification (germline): Uncertain significance (1 of 4 stars; one submission).

Conditions:
Agammaglobulinemia 4, autosomal recessive (AGM4). Also called: B cell linker protein deficiency; AGAMMAGLOBULINEMIA, AUTOSOMAL RECESSIVE, DUE TO BLNK DEFECT. Identifiers: MedGen C3150752, MONDO:0013289, OMIM 613502.

gnomAD v4.1: 1 of 1,613,966 alleles (0.000062%); highest among the groups gnomAD compares: Non-Finnish European, 0.000085%; no homozygotes.

Submission:

Labcorp Genetics (formerly Invitae), Labcorp
Classification: Uncertain significance for Agammaglobulinemia 4, autosomal recessive. Last evaluated: 2022-02-04. Review status: criteria provided, single submitter. Criteria: Invitae Variant Classification Sherloc (09022015). Collection method: clinical testing. Allele origin: germline.
Comment: This variant has not been reported in the literature in individuals affected with BLNK-related conditions. This variant is not present in population databases (gnomAD no frequency). This sequence change replaces proline, which is neutral and non-polar, with leucine, which is neutral and non-polar, at codon 199 of the BLNK protein (p.Pro199Leu). ClinVar contains an entry for this variant (Variation ID: 860549). Algorithms developed to predict the effect of missense changes on protein structure and function are either unavailable or do not agree on the potential impact of this missense change (SIFT: "Deleterious"; PolyPhen-2: "Benign"; Align-GVGD: "Class C0"). In summary, the available evidence is currently insufficient to determine the role of this variant in disease. Therefore, it has been classified as a Variant of Uncertain Significance.